The following is an entry in ClinVar:

ClinVar aggregate classification (germline): Pathogenic. Review status: reviewed by expert panel (3 of 4 stars). 3 submissions from 3 submitters: Pathogenic (1). 2 of the submissions do not count toward it. Last evaluated 2024-09-20.

Conditions:
Pulmonary hypertension, primary, 1 (PPH1). Also called: Pulmonary hypertension, familial primary, 1, with or without HHT. Identifiers: Orphanet 422, MedGen C4552070, MONDO:0024533, OMIM 178600.
Pulmonary arterial hypertension. Identifiers: Orphanet 182090, MedGen C2973725, MeSH D000081029, MONDO:0015924, HP:0002092.

Submissions (3):

Clingen Pulmonary Hypertension Variant Curation Expert Panel, ClinGen
Classification: Pathogenic for Pulmonary arterial hypertension. Last evaluated: 2024-09-20. Review status: reviewed by expert panel. Criteria: ClinGen PH ACMG Specifications BMPR2 V1.1.0. Collection method: curation. Allele origin: germline. Inheritance: Autosomal dominant inheritance.
Comment: The NM_001204.7(BMPR2) c.100T>C variant is a missense variant predicted to cause a cysteine to arginine substitution at amino acid position 34 (p.Cys34Arg). The variant is absent from gnomAD v.2.1.1 and v4.1 (PM2_supporting) and has been reported in two unrelated PAH probands (PMID: 29650961) (PS4_supporting). The variant is located within the extracellular ligand-binding domain and p.Cys34 is a critical residue for protein function (PM1_strong). Two additional likely pathogenic variants, c.101G>T (p.Cys34Phe) and c.102T>G (p.Cys34Trp) have been reported at the same residue (PMID: 27453251, PMID: 30578397) (PM5_supporting). HeLa cells transfected with a BMPR2 p.C34R construct demonstrated that the mutant protein is mislocalized in the cell and does not reach the plasma membrane, with some retention in the ER/Golgi (PMID: 25688877) (PS3). In silico prediction (REVEL = 0.939) is consistent with a pathogenic effect for this variant (PP3). In summary, the variant meets the criteria to be classified as pathogenic for pulmonary arterial hypertension based on the ACMG/AMP criteria applied, as specified by the ClinGen Pulmonary Hypertension VCEP: PS3, PS4_supporting, PM1_strong, PM2_supporting, PM5_supporting, PP3 (VCEP specification version v 1.1, 1/18/2024).

NIHR Bioresource Rare Diseases, University of Cambridge
Classification: Pathogenic for Pulmonary arterial hypertension. Review status: no assertion criteria provided. Collection method: research. Allele origin: unknown. Affected: yes. Observed: 2 variant alleles. Not counted in ClinVar's aggregate classification.

Rare Disease Genomics Group, St George's University of London
Classification: Pathogenic for Primary pulmonary hypertension. Review status: no assertion criteria provided. Collection method: literature only. Allele origin: germline. Affected: yes. Not counted in ClinVar's aggregate classification.

Literature cited by the submitters: PubMed 25688877 (cited by Clingen Pulmonary Hypertension Variant Curation Expert Panel, ClinGen); PubMed 9886286 (cited by Clingen Pulmonary Hypertension Variant Curation Expert Panel, ClinGen); PubMed 32581362 (cited by NIHR Bioresource Rare Diseases, University of Cambridge); PubMed 16429395 (cited by Rare Disease Genomics Group, St George's University of London).

NM_001204.7(BMPR2):c.100T>C (p.Cys34Arg)

Gene: BMPR2 (bone morphogenetic protein receptor type 2; plus strand). Cytogenetic location: 2q33.1.
Variant type: single nucleotide variant.
Coding change: c.100T>C on transcript NM_001204.7 (MANE Select); coding-DNA position 100, T replaced by C.
Protein change: p.Cys34Arg; replaces cysteine 34 with arginine.
Molecular consequence: missense variant.
Genome position (GRCh38, 1-based): chr2:202,464,832, T>C. VCF-style: chr2-202464832-T-C. GRCh37 (hg19) VCF-style: chr2-203329555-T-C.
Other names: NM_001204.7(BMPR2):c.100T>C; p.Cys34Arg; c.100T>C (LRG_712t1); short protein forms C34R.
Identifiers: ClinVar variation 425702 (VCV000425702.4), dbSNP rs1085307163, ClinGen allele CA350399040.